The following is an entry in ClinVar:

ClinVar aggregate classification (germline): Uncertain significance (1 of 4 stars; one submission).

Submission:

Ambry Genetics
Classification: Uncertain significance. Last evaluated: 2021-12-10. Review status: criteria provided, single submitter. Criteria: Ambry Variant Classification Scheme 2023. Collection method: clinical testing. Allele origin: germline.
Comment: The p.K205N variant (also known as c.615G>T), located in coding exon 6 of the PRKDC gene, results from a G to T substitution at nucleotide position 615. The lysine at codon 205 is replaced by asparagine, an amino acid with similar properties. This amino acid position is conserved. In addition, this alteration is predicted to be tolerated by in silico analysis. Since supporting evidence is limited at this time, the clinical significance of this alteration remains unclear.

NM_006904.7(PRKDC):c.615G>T (p.Lys205Asn)

Gene: PRKDC (protein kinase, DNA-activated, catalytic subunit; minus strand). Cytogenetic location: 8q11.21.
Variant type: single nucleotide variant.
Coding change: c.615G>T on transcript NM_006904.7 (MANE Select); coding-DNA position 615, G replaced by T.
Protein change: p.Lys205Asn; replaces lysine 205 with asparagine.
Molecular consequence: missense variant.
Genome position (GRCh38, 1-based): chr8:47,953,813, C>A on the plus strand (G>T on the coding strand, the complement: PRKDC is on the minus strand). VCF-style: chr8-47953813-C-A. GRCh37 (hg19) VCF-style: chr8-48866373-C-A.
Other names: c.615G>T, p.Lys205Asn (NM_001081640.2); short protein forms K205N.
Identifiers: ClinVar variation 1751945 (VCV001751945.2), dbSNP rs2551881786, ClinGen allele CA371138705.